The following is an entry in ClinVar:

ClinVar aggregate classification (germline): Uncertain significance (1 of 4 stars; one submission).

Conditions:
Chédiak-Higashi syndrome (CHS). Also called: Chediak-Higashi Syndrome. Identifiers: Orphanet 167, MedGen C0007965, MONDO:0008963, OMIM 214500.

Allele frequency attached by ClinVar (database versions not stated): gnomAD exomes below 0.00001; ExAC 0.00001.
gnomAD v4.1: 2 of 1,606,098 alleles (0.00012%); highest among the groups gnomAD compares: Admixed American, 0.0033%; no homozygotes.

Submission:

Labcorp Genetics (formerly Invitae), Labcorp
Classification: Uncertain significance for Chédiak-Higashi syndrome. Last evaluated: 2022-06-09. Review status: criteria provided, single submitter. Criteria: Invitae Variant Classification Sherloc (09022015). Collection method: clinical testing. Allele origin: germline.
Comment: This sequence change replaces isoleucine, which is neutral and non-polar, with valine, which is neutral and non-polar, at codon 790 of the LYST protein (p.Ile790Val). This variant is present in population databases (rs751151484, gnomAD 0.006%). This variant has not been reported in the literature in individuals affected with LYST-related conditions. Algorithms developed to predict the effect of missense changes on protein structure and function (SIFT, PolyPhen-2, Align-GVGD) all suggest that this variant is likely to be tolerated. In summary, the available evidence is currently insufficient to determine the role of this variant in disease. Therefore, it has been classified as a Variant of Uncertain Significance.

NM_000081.4(LYST):c.2368A>G (p.Ile790Val)

Gene: LYST (lysosomal trafficking regulator; minus strand). Cytogenetic location: 1q42.3.
Variant type: single nucleotide variant.
Coding change: c.2368A>G on transcript NM_000081.4 (MANE Select); coding-DNA position 2368, A replaced by G.
Protein change: p.Ile790Val; replaces isoleucine 790 with valine.
Molecular consequence: missense variant.
Genome position (GRCh38, 1-based): chr1:235,806,768, T>C on the plus strand (A>G on the coding strand, the complement: LYST is on the minus strand). VCF-style: chr1-235806768-T-C. GRCh37 (hg19) VCF-style: chr1-235970068-T-C.
Other names: c.2368A>G, p.Ile790Val (NM_001301365.1); short protein forms I790V.
Identifiers: ClinVar variation 1973922 (VCV001973922.2), dbSNP rs751151484, ClinGen allele CA1467286.